The following is an entry in ClinVar:

NM_000264.5(PTCH1):c.*1535T>C

Gene: PTCH1 (patched 1; minus strand). Cytogenetic location: 9q22.32.
Variant type: single nucleotide variant.
Coding change: c.*1535T>C on transcript NM_000264.5 (MANE Select); 1535 bases downstream of the stop codon, T replaced by C.
Molecular consequence: 3 prime UTR variant. On other transcripts: non-coding transcript variant (1).
Genome position (GRCh38, 1-based): chr9:95,444,858, A>G on the plus strand (T>C on the coding strand, the complement: PTCH1 is on the minus strand). VCF-style: chr9-95444858-A-G. GRCh37 (hg19) VCF-style: chr9-98207140-A-G.
Other names: c.*1535T>C (NM_001083602.3, NM_001083603.3, NM_001083604.3 and 4 more transcripts).
Identifiers: ClinVar variation 367644 (VCV000367644.7), dbSNP rs112320257, ClinGen allele CA10634196.

ClinVar aggregate classification (germline): Benign/Likely benign. Review status: criteria provided, multiple submitters, no conflicts (2 of 4 stars). 3 submissions from 2 submitters: Benign (2); Likely benign (1). Last evaluated 2019-06-21.

Conditions:
Holoprosencephaly 7 (HPE7). Identifiers: Orphanet 2162, MedGen C1835820, MONDO:0012562, OMIM 610828.
Gorlin syndrome. Also called: Basal cell nevus syndrome; Nevoid Basal Cell Carcinoma Syndrome. Identifiers: Orphanet 377, MedGen C0004779, MONDO:0007187.

Allele frequency attached by ClinVar (database versions not stated): gnomAD 0.01336 and 0.01438; 1000 Genomes Project 0.01338; 1000 Genomes Project 30x 0.01499; TOPMed 0.01515.

Submissions (3):

GeneDx
Classification: Likely benign. Last evaluated: 2019-06-21. Review status: criteria provided, single submitter. Criteria: GeneDx Variant Classification Process June 2021. Collection method: clinical testing. Allele origin: germline. Affected: yes.

Illumina Laboratory Services, Illumina
Classification: Benign for Holoprosencephaly 7. Last evaluated: 2018-01-13. Review status: criteria provided, single submitter. Criteria: ICSL Variant Classification Criteria 13 December 2019. Collection method: clinical testing. Allele origin: germline.
Comment: This variant was observed in the ICSL laboratory as part of a predisposition screen in an ostensibly healthy population. It had not been previously curated by ICSL or reported in the Human Gene Mutation Database (HGMD: prior to June 1st, 2018), and was therefore a candidate for classification through an automated scoring system. Utilizing variant allele frequency, disease prevalence and penetrance estimates, and inheritance mode, an automated score was calculated to assess if this variant is too frequent to cause the disease. Based on the score and internal cut-off values, a variant classified as benign is not then subjected to further curation. The score for this variant resulted in a classification of benign for this disease.

Illumina Laboratory Services, Illumina
Classification: Benign for Basal cell nevus syndrome 1. Last evaluated: 2018-01-13. Review status: criteria provided, single submitter. Criteria: ICSL Variant Classification Criteria 13 December 2019. Collection method: clinical testing. Allele origin: germline.
Comment: the same text as in the submission from Illumina Laboratory Services, Illumina above.